The following is an entry in ClinVar:

NM_001048174.2(MUTYH):c.596C>G (p.Ala199Gly)

Gene: MUTYH (mutY DNA glycosylase; minus strand). Cytogenetic location: 1p34.1.
Variant type: single nucleotide variant.
Coding change: c.596C>G on transcript NM_001048174.2 (MANE Select); coding-DNA position 596, C replaced by G.
Protein change: p.Ala199Gly; replaces alanine 199 with glycine.
Molecular consequence: missense variant. On other transcripts: non-coding transcript variant (7).
Genome position (GRCh38, 1-based): chr1:45,332,584, G>C on the plus strand (C>G on the coding strand, the complement: MUTYH is on the minus strand). VCF-style: chr1-45332584-G-C. GRCh37 (hg19) VCF-style: chr1-45798256-G-C.
Other names: c.629C>G, p.Ala210Gly (NM_001293191.2, NM_001407069.1, NM_001407077.1); c.320C>G, p.Ala107Gly (NM_001293192.2, NM_001293196.2, NM_001407091.1); c.596C>G, p.Ala199Gly (NM_001293195.2, NM_001407070.1, NM_001407088.1 and 6 more transcripts); c.251C>G, p.Ala84Gly (NM_001350650.2, NM_001350651.2, NM_001407082.1); c.599C>G, p.Ala200Gly (NM_001407071.1, NM_001407086.1, NM_001048172.2 and 1 more transcripts); c.638C>G, p.Ala213Gly (NM_001407085.1, NM_001407083.1); c.617C>G, p.Ala206Gly (NM_001407087.1); c.671C>G, p.Ala224Gly (NM_012222.3); and 5 more; short protein forms A107G, A171G, A214G, A224G, A199G, A227G, A185G, A186G.
Identifiers: ClinVar variation 4113790 (VCV004113790.1).

ClinVar aggregate classification (germline): Uncertain significance (1 of 4 stars; one submission).

Conditions:
Hereditary cancer-predisposing syndrome. Also called: Hereditary neoplastic syndrome; Neoplastic Syndromes, Hereditary; Tumor predisposition; Hereditary Cancer Syndrome. Identifiers: Orphanet 140162, MedGen C0027672, MeSH D009386, MONDO:0015356.

Submission:

Ambry Genetics
Classification: Uncertain significance for Hereditary cancer-predisposing syndrome. Last evaluated: 2025-08-27. Review status: criteria provided, single submitter. Criteria: Ambry Variant Classification Scheme 2023. Collection method: clinical testing. Allele origin: germline.
Comment: The p.A227G variant (also known as c.680C>G), located in coding exon 8 of the MUTYH gene, results from a C to G substitution at nucleotide position 680. The alanine at codon 227 is replaced by glycine, an amino acid with similar properties. This amino acid position is conserved. In addition, the in silico prediction for this alteration is inconclusive. Based on the available evidence, the clinical significance of this variant remains unclear.